The following is an entry in ClinVar:

NM_173354.5(SIK1):c.1087C>T (p.Arg363Trp)

Gene: SIK1 (salt inducible kinase 1; minus strand). Cytogenetic location: 21q22.3.
Variant type: single nucleotide variant.
Coding change: c.1087C>T on transcript NM_173354.5 (MANE Select); coding-DNA position 1087, C replaced by T.
Protein change: p.Arg363Trp; replaces arginine 363 with tryptophan.
Molecular consequence: missense variant.
Genome position (GRCh38, 1-based): chr21:43,419,891, G>A on the plus strand (C>T on the coding strand, the complement: SIK1 is on the minus strand). VCF-style: chr21-43419891-G-A. GRCh37 (hg19) VCF-style: chr21-44839771-G-A.
Other names: short protein forms R363W.
Identifiers: ClinVar variation 1025724 (VCV001025724.8), dbSNP rs755778593, ClinGen allele CA321326476.

ClinVar aggregate classification (germline): Uncertain significance (1 of 4 stars; one submission).

Conditions:
Developmental and epileptic encephalopathy, 30 (DEE30). Also called: Epileptic encephalopathy, early infantile, 30. Identifiers: MedGen C4225360, MONDO:0014595, OMIM 616341.

Allele frequency attached by ClinVar (database versions not stated): gnomAD exomes 0.00001; ExAC 0.00002.

Submission:

Labcorp Genetics (formerly Invitae), Labcorp
Classification: Uncertain significance for Developmental and epileptic encephalopathy, 30. Last evaluated: 2023-12-21. Review status: criteria provided, single submitter. Criteria: Invitae Variant Classification Sherloc (09022015). Collection method: clinical testing. Allele origin: germline.
Comment: This sequence change replaces arginine, which is basic and polar, with tryptophan, which is neutral and slightly polar, at codon 363 of the SIK1 protein (p.Arg363Trp). The frequency data for this variant in the population databases is considered unreliable, as metrics indicate poor data quality at this position in the gnomAD database. This variant has not been reported in the literature in individuals affected with SIK1-related conditions. ClinVar contains an entry for this variant (Variation ID: 1025724). An algorithm developed to predict the effect of missense changes on protein structure and function (PolyPhen-2) suggests that this variant¬†is likely to be tolerated. In summary, the available evidence is currently insufficient to determine the role of this variant in disease. Therefore, it has been classified as a Variant of Uncertain Significance.